The following is an entry in ClinVar:

ClinVar aggregate classification (germline): Uncertain significance. Review status: criteria provided, multiple submitters, no conflicts (2 of 4 stars). 2 submissions from 2 submitters: Uncertain significance (2). Last evaluated 2023-12-11.

Conditions:
Inborn genetic diseases. Identifiers: MedGen C0950123, MeSH D030342.

Allele frequency attached by ClinVar (database versions not stated): ExAC 0.00002; gnomAD 0.00002.
gnomAD v4.1: 100 of 1,613,226 alleles (0.0062%); highest among the groups gnomAD compares: Non-Finnish European, 0.0079%; no homozygotes.

Submissions (2):

Ambry Genetics
Classification: Uncertain significance for Inborn genetic diseases. Last evaluated: 2023-12-11. Review status: criteria provided, single submitter. Criteria: Ambry Variant Classification Scheme 2023. Collection method: clinical testing. Allele origin: germline.

Labcorp Genetics (formerly Invitae), Labcorp
Classification: Uncertain significance. Last evaluated: 2022-03-09. Review status: criteria provided, single submitter. Criteria: Invitae Variant Classification Sherloc (09022015). Collection method: clinical testing. Allele origin: germline.
Comment: This sequence change replaces glycine, which is neutral and non-polar, with valine, which is neutral and non-polar, at codon 19 of the ACAD9 protein (p.Gly19Val). This variant is present in population databases (rs779957523, gnomAD 0.006%). This variant has not been reported in the literature in individuals affected with ACAD9-related conditions. Advanced modeling of protein sequence and biophysical properties (such as structural, functional, and spatial information, amino acid conservation, physicochemical variation, residue mobility, and thermodynamic stability) performed at Invitae indicates that this missense variant is not expected to disrupt ACAD9 protein function. In summary, the available evidence is currently insufficient to determine the role of this variant in disease. Therefore, it has been classified as a Variant of Uncertain Significance.

NM_014049.5(ACAD9):c.56G>T (p.Gly19Val)

Gene: ACAD9 (acyl-CoA dehydrogenase family member 9; plus strand). Cytogenetic location: 3q21.3.
Variant type: single nucleotide variant.
Coding change: c.56G>T on transcript NM_014049.5 (MANE Select); coding-DNA position 56, G replaced by T.
Protein change: p.Gly19Val; replaces glycine 19 with valine.
Molecular consequence: missense variant. On other transcripts: non-coding transcript variant (1).
Genome position (GRCh38, 1-based): chr3:128,879,747, G>T. VCF-style: chr3-128879747-G-T. GRCh37 (hg19) VCF-style: chr3-128598590-G-T.
Other names: c.-220G>T (NM_001410805.1); c.56G>T (NM_014049.4); short protein forms G19V.
Identifiers: ClinVar variation 2172282 (VCV002172282.2), dbSNP rs779957523, ClinGen allele CA2601008.